The following is an entry in ClinVar:

NM_033028.5(BBS4):c.349C>T (p.His117Tyr)

Gene: BBS4 (Bardet-Biedl syndrome 4; plus strand). Cytogenetic location: 15q24.1.
Variant type: single nucleotide variant.
Coding change: c.349C>T on transcript NM_033028.5 (MANE Select); coding-DNA position 349, C replaced by T.
Protein change: p.His117Tyr; replaces histidine 117 with tyrosine.
Molecular consequence: missense variant. On other transcripts: 5 prime UTR variant (1), non-coding transcript variant (2).
Genome position (GRCh38, 1-based): chr15:72,716,794, C>T. VCF-style: chr15-72716794-C-T. GRCh37 (hg19) VCF-style: chr15-73009135-C-T.
Other names: c.-173C>T (NM_001252678.2); c.349C>T, p.His117Tyr (NM_001320665.2); short protein forms H117Y.
Identifiers: ClinVar variation 1468769 (VCV001468769.3), dbSNP rs765399591, ClinGen allele CA7646598.
Genomic context (GRCh38, chr15:72,716,794, plus strand): 5'-TAAGAATTTTGAGGTAATAATTATGGAAAATATATCTTTTACAGATTTCTTTTGGGAAAA[C>T]ATAAAGCTGCCATTGAAGTATATAATGAAGCAGCTAAACTCAACCAGAAAGATTGGGTAA-3'
Protein context (NP_149017.2, residues 107-127): VARSLFLLGK[His117Tyr]KAAIEVYNEA

ClinVar aggregate classification (germline): Uncertain significance (1 of 4 stars; one submission).

Conditions:
Bardet-Biedl syndrome (BBS). Identifiers: Orphanet 110, MedGen C0752166, MONDO:0015229.

Allele frequency attached by ClinVar (database versions not stated): gnomAD exomes below 0.00001 and 0.00001.
gnomAD v4.1: 16 of 1,609,238 alleles (0.00099%); highest among the groups gnomAD compares: Non-Finnish European, 0.001%; no homozygotes.

Submission:

Labcorp Genetics (formerly Invitae), Labcorp
Classification: Uncertain significance for Bardet-Biedl syndrome. Last evaluated: 2021-08-24. Review status: criteria provided, single submitter. Criteria: Invitae Variant Classification Sherloc (09022015). Collection method: clinical testing. Allele origin: germline.
Comment: This sequence change replaces histidine with tyrosine at codon 117 of the BBS4 protein (p.His117Tyr). The histidine residue is highly conserved and there is a moderate physicochemical difference between histidine and tyrosine. The frequency data for this variant in the population databases is considered unreliable, as metrics indicate poor data quality at this position in the ExAC database. This variant has not been reported in the literature in individuals affected with BBS4-related conditions. Algorithms developed to predict the effect of missense changes on protein structure and function are either unavailable or do not agree on the potential impact of this missense change (SIFT: "Tolerated"; PolyPhen-2: "Possibly Damaging"; Align-GVGD: "Class C0"). In summary, the available evidence is currently insufficient to determine the role of this variant in disease. Therefore, it has been classified as a Variant of Uncertain Significance.